The following is an entry in ClinVar:

ClinVar aggregate classification (germline): Likely benign. Review status: criteria provided, multiple submitters, no conflicts (2 of 4 stars). 4 submissions from 4 submitters: Likely benign (4). Last evaluated 2026-06-18.

Conditions:
Retinoblastoma (RB1). Also called: RETINOBLASTOMA, SOMATIC. Identifiers: Orphanet 790, MedGen C0035335, MeSH D012175, MONDO:0008380, OMIM 180200, HP:0009919. Disease mechanism: loss of function. Inheritance: Both sporadic and heritable forms are tested..

Allele frequency attached by ClinVar (database versions not stated): gnomAD exomes below 0.00001.
gnomAD v4.1: 7 of 1,599,812 alleles (0.00044%); highest among the groups gnomAD compares: Middle Eastern, 0.017%; no homozygotes.

Submissions (4):

Myriad Genetics, Inc.
Classification: Likely benign for Retinoblastoma. Last evaluated: 2026-06-18. Review status: criteria provided, single submitter. Criteria: Myriad Autosomal Dominant, Autosomal Recessive and X-Linked Classification Criteria (2023). Collection method: clinical testing. Allele origin: unknown.
Comment: This variant is considered likely benign. This variant is intronic and is not expected to impact mRNA splicing.

Labcorp Genetics (formerly Invitae), Labcorp
Classification: Likely benign for Retinoblastoma. Last evaluated: 2025-12-28. Review status: criteria provided, single submitter. Criteria: Invitae Variant Classification Sherloc (09022015). Collection method: clinical testing. Allele origin: germline.

Blueprint Genetics
Classification: Likely benign. Last evaluated: 2024-11-05. Review status: criteria provided, single submitter. Criteria: ACMG Guidelines, 2015. Collection method: clinical testing. Allele origin: germline.

All of Us Research Program, National Institutes of Health
Classification: Likely benign for Retinoblastoma. Last evaluated: 2023-08-15. Review status: criteria provided, single submitter. Criteria: ACMG Guidelines, 2015. Collection method: clinical testing. Allele origin: germline. Inheritance: Autosomal dominant inheritance. Observed: 1 variant allele, 1 heterozygote.
Comment: This study involves interpretation of variants in research participants for the purpose of population health screening. Participant phenotype was not available at the time of variant classification. Additional details can be found in publication PMID: 35346344, PMCID: PMC8962531

NM_000321.3(RB1):c.138-8T>C

Gene: RB1 (RB transcriptional corepressor 1; plus strand). Cytogenetic location: 13q14.2.
Variant type: single nucleotide variant.
Coding change: c.138-8T>C on transcript NM_000321.3 (MANE Select); 8 bases into the intron before coding-DNA position 138, T replaced by C.
Molecular consequence: intron variant.
Genome position (GRCh38, 1-based): chr13:48,307,272, T>C. VCF-style: chr13-48307272-T-C. GRCh37 (hg19) VCF-style: chr13-48881408-T-C.
Identifiers: ClinVar variation 416504 (VCV000416504.14), dbSNP rs201562657, ClinGen allele CA16613995.